The following is an entry in ClinVar:

NM_004646.4(NPHS1):c.644T>A (p.Leu215Gln)

Gene: NPHS1 (NPHS1 adhesion molecule, nephrin; minus strand). Cytogenetic location: 19q13.12.
Variant type: single nucleotide variant.
Coding change: c.644T>A on transcript NM_004646.4 (MANE Select); coding-DNA position 644, T replaced by A.
Protein change: p.Leu215Gln; replaces leucine 215 with glutamine.
Molecular consequence: missense variant.
Genome position (GRCh38, 1-based): chr19:35,849,618, A>T on the plus strand (T>A on the coding strand, the complement: NPHS1 is on the minus strand). VCF-style: chr19-35849618-A-T. GRCh37 (hg19) VCF-style: chr19-36340520-A-T.
Other names: short protein forms L215Q.
Identifiers: ClinVar variation 447875 (VCV000447875.8), dbSNP rs755962215, ClinGen allele CA405408372.

ClinVar aggregate classification (germline): Uncertain significance. Review status: criteria provided, multiple submitters, no conflicts (2 of 4 stars). 3 submissions from 3 submitters: Uncertain significance (3). Last evaluated 2021-08-27.

gnomAD v4.1: 1 of 1,614,112 alleles (0.000062%); highest among the groups gnomAD compares: Non-Finnish European, 0.000085%; no homozygotes.

Submissions (3):

Labcorp Genetics (formerly Invitae), Labcorp
Classification: Uncertain significance. Last evaluated: 2021-08-27. Review status: criteria provided, single submitter. Criteria: Invitae Variant Classification Sherloc (09022015). Collection method: clinical testing. Allele origin: germline.
Comment: This sequence change replaces leucine with glutamine at codon 215 of the NPHS1 protein (p.Leu215Gln). The leucine residue is highly conserved and there is a moderate physicochemical difference between leucine and glutamine. This variant is not present in population databases (ExAC no frequency). This variant has not been reported in the literature in individuals affected with NPHS1-related conditions. ClinVar contains an entry for this variant (Variation ID: 447875). Advanced modeling of protein sequence and biophysical properties (such as structural, functional, and spatial information, amino acid conservation, physicochemical variation, residue mobility, and thermodynamic stability) performed at Invitae indicates that this missense variant is expected to disrupt NPHS1 protein function. In summary, the available evidence is currently insufficient to determine the role of this variant in disease. Therefore, it has been classified as a Variant of Uncertain Significance.

GeneDx
Classification: Uncertain significance. Last evaluated: 2021-05-14. Review status: criteria provided, single submitter. Criteria: GeneDx Variant Classification Process June 2021. Collection method: clinical testing. Allele origin: germline. Affected: yes.
Comment: Not observed at a significant frequency in large population cohorts (Lek et al., 2016); In silico analysis supports that this missense variant has a deleterious effect on protein structure/function; Has not been previously published as pathogenic or benign to our knowledge; In silico analysis, which includes splice predictors and evolutionary conservation, suggests this variant may impact gene splicing. In the absence of RNA/functional studies, the actual effect of this sequence change is unknown.

Athena Diagnostics
Classification: Uncertain significance. Last evaluated: 2016-11-16. Review status: criteria provided, single submitter. Criteria: Athena Diagnostics Criteria. Collection method: clinical testing. Allele origin: germline.